The following is an entry in ClinVar:

NM_016292.3(TRAP1):c.1235+9C>G

Gene: TRAP1 (TNF receptor associated protein 1; minus strand). Cytogenetic location: 16p13.3.
Variant type: single nucleotide variant.
Coding change: c.1235+9C>G on transcript NM_016292.3 (MANE Select); 9 bases into the intron after coding-DNA position 1235, C replaced by G.
Molecular consequence: intron variant.
Genome position (GRCh38, 1-based): chr16:3,671,713, G>C on the plus strand (C>G on the coding strand, the complement: TRAP1 is on the minus strand). VCF-style: chr16-3671713-G-C. GRCh37 (hg19) VCF-style: chr16-3721714-G-C.
Other names: c.1076+9C>G (NM_001272049.2); c.1235+9C>G (NM_016292.2).
Identifiers: ClinVar variation 1600151 (VCV001600151.10), dbSNP rs115100713, ClinGen allele CA7868208.
Genomic context (GRCh38, chr16:3,671,713, plus strand): 5'-TCTGGGGGCAAAGGAGCAGGTAGGGGCCTTGTCCCCAGCAGGGTCCTCTCCCCGCGGCCC[G>C]AGGCTCACCTGATGAGTGCGCTCTCCTGCAGCAGCTCCCGGCTGAGGTTCAGGGGAATGT-3'

ClinVar aggregate classification (germline): Benign. Review status: criteria provided, single submitter (1 of 4 stars). 2 submissions from 2 submitters: Benign (1). 1 of the submissions does not count toward it. Last evaluated 2025-08-27.

Conditions:
TRAP1-related disorder. Also called: TRAP1-related condition.

Allele frequency attached by ClinVar (database versions not stated): 1000 Genomes Project 0.00200; 1000 Genomes Project 30x 0.00234; TOPMed 0.00282; ESP Exome Variant Server 0.00292.
gnomAD v4.1: 713 of 1,612,102 alleles (0.044%); highest among the groups gnomAD compares: African/African-American, 0.84%; 7 homozygotes.

Submissions (2):

Labcorp Genetics (formerly Invitae), Labcorp
Classification: Benign. Last evaluated: 2025-08-27. Review status: criteria provided, single submitter. Criteria: Invitae Variant Classification Sherloc (09022015). Collection method: clinical testing. Allele origin: germline.

PreventionGenetics, part of Exact Sciences
Classification: Benign for TRAP1-related condition. Last evaluated: 2019-11-26. Review status: no assertion criteria provided. Collection method: clinical testing. Allele origin: germline. Not counted in ClinVar's aggregate classification.
Comment: This variant is classified as benign based on ACMG/AMP sequence variant interpretation guidelines (Richards et al. 2015 PMID: 25741868, with internal and published modifications).